The following is an entry in ClinVar:

ClinVar aggregate classification (germline): Uncertain significance (1 of 4 stars; one submission).

Conditions:
Developmental and epileptic encephalopathy, 30 (DEE30). Also called: Epileptic encephalopathy, early infantile, 30. Identifiers: MedGen C4225360, MONDO:0014595, OMIM 616341.

Submission:

Labcorp Genetics (formerly Invitae), Labcorp
Classification: Uncertain significance for Developmental and epileptic encephalopathy, 30. Last evaluated: 2023-06-05. Review status: criteria provided, single submitter. Criteria: Invitae Variant Classification Sherloc (09022015). Collection method: clinical testing. Allele origin: germline.
Comment: This variant is not present in population databases (gnomAD no frequency). This sequence change replaces lysine, which is basic and polar, with threonine, which is neutral and polar, at codon 60 of the SIK1 protein (p.Lys60Thr). This variant has not been reported in the literature in individuals affected with SIK1-related conditions. An algorithm developed to predict the effect of missense changes on protein structure and function (PolyPhen-2) suggests that this variant is likely to be disruptive. In summary, the available evidence is currently insufficient to determine the role of this variant in disease. Therefore, it has been classified as a Variant of Uncertain Significance.

NM_173354.5(SIK1):c.179A>C (p.Lys60Thr)

Gene: SIK1 (salt inducible kinase 1; minus strand). Cytogenetic location: 21q22.3.
Variant type: single nucleotide variant.
Coding change: c.179A>C on transcript NM_173354.5 (MANE Select); coding-DNA position 179, A replaced by C.
Protein change: p.Lys60Thr; replaces lysine 60 with threonine.
Molecular consequence: missense variant.
Genome position (GRCh38, 1-based): chr21:43,425,501, T>G on the plus strand (A>C on the coding strand, the complement: SIK1 is on the minus strand). VCF-style: chr21-43425501-T-G. GRCh37 (hg19) VCF-style: chr21-44845381-T-G.
Other names: short protein forms K60T.
Identifiers: ClinVar variation 2771406 (VCV002771406.3), dbSNP rs2516968912, ClinGen allele CA410610827.
Genomic context (GRCh38, chr21:43,425,501, plus strand): 5'-AGCTTCATCAGCTGAACCTCACGATAGATTTTCTCCAAATTGCTTGAATCTAATCGTGTT[T>G]TATCAATTATTTTTATTGCAACCTACAAATTTAAAAAGAAAAAGGATATTCTGTGGGTTT-3'
Protein context (NP_775490.2, residues 50-70): KTQVAIKIID[Lys60Thr]TRLDSSNLEK